The following is an entry in ClinVar:

ClinVar aggregate classification (germline): Uncertain significance (1 of 4 stars; one submission).

Conditions:
Hereditary spastic paraplegia 11. Also called: SPASTIC PARAPLEGIA, AUTOSOMAL RECESSIVE, COMPLICATED, WITH THIN CORPUS CALLOSUM; SPASTIC PARAPLEGIA, AUTOSOMAL RECESSIVE, WITH MENTAL IMPAIRMENT AND THIN CORPUS CALLOSUM; Nakamura Osame syndrome; Autosomal recessive hereditary spastic paraplegia, mental impairment, and thin corpus callosum; Spastic paraplegia, mental retardation and thin corpus callosum; Spastic Paraplegia 11. Identifiers: Orphanet 2822, MedGen C1858479, MONDO:0011445, OMIM 604360.

Allele frequency attached by ClinVar (database versions not stated): gnomAD exomes below 0.00001.
gnomAD v4.1: 3 of 1,614,110 alleles (0.00019%); highest among the groups gnomAD compares: Non-Finnish European, 0.00025%; no homozygotes.

Submission:

Labcorp Genetics (formerly Invitae), Labcorp
Classification: Uncertain significance for Hereditary spastic paraplegia 11. Last evaluated: 2021-11-28. Review status: criteria provided, single submitter. Criteria: Invitae Variant Classification Sherloc (09022015). Collection method: clinical testing. Allele origin: germline.
Comment: This variant is not present in population databases (gnomAD no frequency). This sequence change replaces proline, which is neutral and non-polar, with leucine, which is neutral and non-polar, at codon 1411 of the SPG11 protein (p.Pro1411Leu). This variant has not been reported in the literature in individuals affected with SPG11-related conditions. Algorithms developed to predict the effect of missense changes on protein structure and function are either unavailable or do not agree on the potential impact of this missense change (SIFT: "Deleterious"; PolyPhen-2: "Benign"; Align-GVGD: "Class C15"). In summary, the available evidence is currently insufficient to determine the role of this variant in disease. Therefore, it has been classified as a Variant of Uncertain Significance.

NM_025137.4(SPG11):c.4232C>T (p.Pro1411Leu)

Genes: SPG11 (SPG11 vesicle trafficking associated, spatacsin; minus strand), LOC130056973 (ATAC-STARR-seq lymphoblastoid active region 9341; plus strand). Cytogenetic location: 15q21.1.
Variant type: single nucleotide variant.
Coding change: c.4232C>T on transcript NM_025137.4 (MANE Select); coding-DNA position 4232, C replaced by T.
Protein change: p.Pro1411Leu; replaces proline 1411 with leucine.
Molecular consequence: missense variant.
Genome position (GRCh38, 1-based): chr15:44,596,285, G>A on the plus strand (C>T on the coding strand, the complement: SPG11 is on the minus strand). VCF-style: chr15-44596285-G-A. GRCh37 (hg19) VCF-style: chr15-44888483-G-A.
Other names: c.4232C>T, p.Pro1411Leu (NM_001160227.2); short protein forms P1411L.
Identifiers: ClinVar variation 1410364 (VCV001410364.7), dbSNP rs2140972200, ClinGen allele CA392228274.